The following is an entry in ClinVar:

NM_001013838.3(CARMIL2):c.406A>G (p.Met136Val)

Gene: CARMIL2 (capping protein regulator and myosin 1 linker 2; plus strand). Cytogenetic location: 16q22.1.
Variant type: single nucleotide variant.
Coding change: c.406A>G on transcript NM_001013838.3 (MANE Select); coding-DNA position 406, A replaced by G.
Protein change: p.Met136Val; replaces methionine 136 with valine.
Molecular consequence: missense variant.
Genome position (GRCh38, 1-based): chr16:67,646,457, A>G. VCF-style: chr16-67646457-A-G. GRCh37 (hg19) VCF-style: chr16-67680360-A-G.
Other names: c.406A>G, p.Met136Val (NM_001317026.3); short protein forms M136V.
Identifiers: ClinVar variation 2074570 (VCV002074570.22), dbSNP rs769991726, ClinGen allele CA8113055.

ClinVar aggregate classification (germline): Uncertain significance. Review status: criteria provided, multiple submitters, no conflicts (2 of 4 stars). 2 submissions from 2 submitters: Uncertain significance (2). Last evaluated 2024-04-01.

Allele frequency attached by ClinVar (database versions not stated): TOPMed 0.00005; ExAC 0.00006; gnomAD 0.00008; gnomAD exomes 0.00015.

Submissions (2):

CeGaT Center for Human Genetics Tuebingen
Classification: Uncertain significance. Last evaluated: 2024-04-01. Review status: criteria provided, single submitter. Criteria: CeGaT Center For Human Genetics Tuebingen Variant Classification Criteria Version 2. Collection method: clinical testing. Allele origin: germline. Affected: yes. Observed: 1 variant allele.
Comment: CARMIL2: PM2, BP4

Labcorp Genetics (formerly Invitae), Labcorp
Classification: Uncertain significance. Last evaluated: 2023-09-09. Review status: criteria provided, single submitter. Criteria: Invitae Variant Classification Sherloc (09022015). Collection method: clinical testing. Allele origin: germline.
Comment: Advanced modeling of protein sequence and biophysical properties (such as structural, functional, and spatial information, amino acid conservation, physicochemical variation, residue mobility, and thermodynamic stability) performed at Invitae indicates that this missense variant is not expected to disrupt CARMIL2 protein function. This sequence change replaces methionine, which is neutral and non-polar, with valine, which is neutral and non-polar, at codon 136 of the CARMIL2 protein (p.Met136Val). This variant is present in population databases (rs769991726, gnomAD 0.01%). This variant has not been reported in the literature in individuals affected with CARMIL2-related conditions. ClinVar contains an entry for this variant (Variation ID: 2074570). In summary, the available evidence is currently insufficient to determine the role of this variant in disease. Therefore, it has been classified as a Variant of Uncertain Significance.